The following is an entry in ClinVar:

ClinVar aggregate classification (germline): Uncertain significance (1 of 4 stars; one submission).

Submission:

Labcorp Genetics (formerly Invitae), Labcorp
Classification: Uncertain significance. Last evaluated: 2024-08-05. Review status: criteria provided, single submitter. Criteria: Invitae Variant Classification Sherloc (09022015). Collection method: clinical testing. Allele origin: germline.
Comment: This sequence change replaces serine, which is neutral and polar, with glycine, which is neutral and non-polar, at codon 5 of the TNFSF11 protein (p.Ser5Gly). This variant is not present in population databases (gnomAD no frequency). This variant has not been reported in the literature in individuals affected with TNFSF11-related conditions. ClinVar contains an entry for this variant (Variation ID: 1949000). An algorithm developed to predict the effect of missense changes on protein structure and function (PolyPhen-2) suggests that this variant¬†is likely to be tolerated. In summary, the available evidence is currently insufficient to determine the role of this variant in disease. Therefore, it has been classified as a Variant of Uncertain Significance.

NM_003701.4(TNFSF11):c.13A>G (p.Ser5Gly)

Genes: TNFSF11 (TNF superfamily member 11; plus strand), LOC130009662 (ATAC-STARR-seq lymphoblastoid silent region 5301; plus strand). Cytogenetic location: 13q14.11.
Variant type: single nucleotide variant.
Coding change: c.13A>G on transcript NM_003701.4 (MANE Select); coding-DNA position 13, A replaced by G.
Protein change: p.Ser5Gly; replaces serine 5 with glycine.
Molecular consequence: missense variant. On other transcripts: intron variant (1).
Genome position (GRCh38, 1-based): chr13:42,574,316, A>G. VCF-style: chr13-42574316-A-G. GRCh37 (hg19) VCF-style: chr13-43148452-A-G.
Other names: c.-1+2578A>G (NM_033012.4); short protein forms S5G.
Identifiers: ClinVar variation 1949000 (VCV001949000.3), dbSNP rs953829901, ClinGen allele CA249049724.